The following is an entry in ClinVar:

ClinVar aggregate classification (germline): Uncertain significance. Review status: criteria provided, multiple submitters, no conflicts (2 of 4 stars). 2 submissions from 2 submitters: Uncertain significance (2). Last evaluated 2023-11-27.

Allele frequency attached by ClinVar (database versions not stated): ExAC 0.00001; TOPMed 0.00002; ESP Exome Variant Server 0.00008.

Submissions (2):

Labcorp Genetics (formerly Invitae), Labcorp
Classification: Uncertain significance. Last evaluated: 2023-11-27. Review status: criteria provided, single submitter. Criteria: Invitae Variant Classification Sherloc (09022015). Collection method: clinical testing. Allele origin: germline.
Comment: This sequence change replaces proline, which is neutral and non-polar, with serine, which is neutral and polar, at codon 250 of the CDHR1 protein (p.Pro250Ser). This variant is present in population databases (rs145823899, gnomAD 0.0009%). This variant has not been reported in the literature in individuals affected with CDHR1-related conditions. ClinVar contains an entry for this variant (Variation ID: 1716272). Advanced modeling of protein sequence and biophysical properties (such as structural, functional, and spatial information, amino acid conservation, physicochemical variation, residue mobility, and thermodynamic stability) performed at Invitae indicates that this missense variant is not expected to disrupt CDHR1 protein function with a negative predictive value of 80%. In summary, the available evidence is currently insufficient to determine the role of this variant in disease. Therefore, it has been classified as a Variant of Uncertain Significance.

Blueprint Genetics
Classification: Uncertain significance. Last evaluated: 2019-09-20. Review status: criteria provided, single submitter. Criteria: ACMG Guidelines, 2015. Collection method: clinical testing. Allele origin: germline.

NM_033100.4(CDHR1):c.748C>T (p.Pro250Ser)

Gene: CDHR1 (cadherin related family member 1; plus strand). Cytogenetic location: 10q23.1.
Variant type: single nucleotide variant.
Coding change: c.748C>T on transcript NM_033100.4 (MANE Select); coding-DNA position 748, C replaced by T.
Protein change: p.Pro250Ser; replaces proline 250 with serine.
Molecular consequence: missense variant.
Genome position (GRCh38, 1-based): chr10:84,203,088, C>T. VCF-style: chr10-84203088-C-T. GRCh37 (hg19) VCF-style: chr10-85962844-C-T.
Other names: c.748C>T, p.Pro250Ser (NM_001171971.3); short protein forms P250S.
Identifiers: ClinVar variation 1716272 (VCV001716272.6), dbSNP rs145823899, ClinGen allele CA5579660.